The following is an entry in ClinVar:

ClinVar aggregate classification (germline): Uncertain significance (1 of 4 stars; one submission).

Submission:

Labcorp Genetics (formerly Invitae), Labcorp
Classification: Uncertain significance. Last evaluated: 2026-01-18. Review status: criteria provided, single submitter. Criteria: Invitae Variant Classification Sherloc (09022015). Collection method: clinical testing. Allele origin: germline.
Comment: This sequence change replaces aspartic acid, which is acidic and polar, with asparagine, which is neutral and polar, at codon 43 of the EFTUD2 protein (p.Asp43Asn). This variant is present in population databases (rs547762808, gnomAD 0.01%). This variant has not been reported in the literature in individuals affected with EFTUD2-related conditions. An algorithm developed to predict the effect of missense changes on protein structure and function (PolyPhen-2) suggests that this variant is likely to be tolerated. In summary, the available evidence is currently insufficient to determine the role of this variant in disease. Therefore, it has been classified as a Variant of Uncertain Significance.

NM_004247.4(EFTUD2):c.127G>A (p.Asp43Asn)

Gene: EFTUD2 (elongation factor Tu GTP binding domain containing 2; minus strand). Cytogenetic location: 17q21.31.
Variant type: single nucleotide variant.
Coding change: c.127G>A on transcript NM_004247.4 (MANE Select); coding-DNA position 127, G replaced by A.
Protein change: p.Asp43Asn; replaces aspartic acid 43 with asparagine.
Molecular consequence: missense variant.
Genome position (GRCh38, 1-based): chr17:44,886,729, C>T on the plus strand (G>A on the coding strand, the complement: EFTUD2 is on the minus strand). VCF-style: chr17-44886729-C-T. GRCh37 (hg19) VCF-style: chr17-42964097-C-T.
Other names: c.22G>A, p.Asp8Asn (NM_001142605.2); c.127G>A, p.Asp43Asn (NM_001258353.2, NM_001258354.2); short protein forms D43N, D8N.
Identifiers: ClinVar variation 4753385 (VCV004753385.1).